The following is an entry in ClinVar:

NM_005027.4(PIK3R2):c.1259G>A (p.Arg420Gln)

Gene: PIK3R2 (phosphoinositide-3-kinase regulatory subunit 2; plus strand). Cytogenetic location: 19p13.11.
Variant type: single nucleotide variant.
Coding change: c.1259G>A on transcript NM_005027.4 (MANE Select); coding-DNA position 1259, G replaced by A.
Protein change: p.Arg420Gln; replaces arginine 420 with glutamine.
Molecular consequence: missense variant. On other transcripts: non-coding transcript variant (2).
Genome position (GRCh38, 1-based): chr19:18,163,116, G>A. VCF-style: chr19-18163116-G-A. GRCh37 (hg19) VCF-style: chr19-18273926-G-A.
Other names: short protein forms R420Q.
Identifiers: ClinVar variation 2634678 (VCV002634678.1), dbSNP rs1041206635, ClinGen allele CA306172089.

ClinVar aggregate classification (germline): Uncertain significance (1 of 4 stars; one submission).

Conditions:
PIK3R2-related disorder. Also called: PIK3R2-related condition.

Allele frequency attached by ClinVar (database versions not stated): gnomAD exomes 0.00001; TOPMed 0.00001.

Submission:

PreventionGenetics, part of Exact Sciences
Classification: Uncertain significance for PIK3R2-related condition. Last evaluated: 2023-05-08. Review status: criteria provided, single submitter. Criteria: ACMG Guidelines, 2015. Collection method: clinical testing. Allele origin: germline.
Comment: The PIK3R2 c.1259G>A variant is predicted to result in the amino acid substitution p.Arg420Gln. To our knowledge, this variant has not been reported in the literature. This variant is reported in 0.00088% of alleles in individuals of European (Non-Finnish) descent in gnomAD. At this time, the clinical significance of this variant is uncertain due to the absence of conclusive functional and genetic evidence.